The following is an entry in ClinVar:

ClinVar aggregate classification (germline): Uncertain significance. Review status: criteria provided, multiple submitters, no conflicts (2 of 4 stars). 2 submissions from 2 submitters: Uncertain significance (2). Last evaluated 2025-03-31.

Conditions:
Meckel-Gruber syndrome. Also called: Dysencephalia splachnocystica; DYSENCEPHALIA SPLANCHNOCYSTICA; GRUBER SYNDROME. Identifiers: Orphanet 564, MedGen C0265215, MONDO:0018921.
Joubert syndrome. Also called: Familial aplasia of the vermis; JOUBERT-BOLTSHAUSER SYNDROME. Identifiers: Orphanet 475, MedGen C5979921, MONDO:0018772.

Allele frequency attached by ClinVar (database versions not stated): gnomAD exomes below 0.00001.
gnomAD v4.1: 5 of 1,590,058 alleles (0.00031%); highest among the groups gnomAD compares: Non-Finnish European, 0.00043%; no homozygotes.

Submissions (2):

Labcorp Genetics (formerly Invitae), Labcorp
Classification: Uncertain significance for Joubert syndrome; Meckel-Gruber syndrome. Last evaluated: 2025-03-31. Review status: criteria provided, single submitter. Criteria: Invitae Variant Classification Sherloc (09022015). Collection method: clinical testing. Allele origin: germline.
Comment: This sequence change replaces proline, which is neutral and non-polar, with threonine, which is neutral and polar, at codon 737 of the CC2D2A protein (p.Pro737Thr). This variant is present in population databases (no rsID available, gnomAD 0.0009%). This variant has not been reported in the literature in individuals affected with CC2D2A-related conditions. ClinVar contains an entry for this variant (Variation ID: 598415). Invitae Evidence Modeling of protein sequence and biophysical properties (such as structural, functional, and spatial information, amino acid conservation, physicochemical variation, residue mobility, and thermodynamic stability) indicates that this missense variant is not expected to disrupt CC2D2A protein function with a negative predictive value of 95%. In summary, the available evidence is currently insufficient to determine the role of this variant in disease. Therefore, it has been classified as a Variant of Uncertain Significance.

Eurofins Ntd Llc (ga)
Classification: Uncertain significance. Last evaluated: 2018-08-16. Review status: criteria provided, single submitter. Criteria: EGL ClinVar v180209 classification definitions. Collection method: clinical testing. Allele origin: germline. Observed: 1 variant allele, 1 heterozygote.

NM_001378615.1(CC2D2A):c.2209C>A (p.Pro737Thr)

Genes: CC2D2A (coiled-coil and C2 domain containing 2A; plus strand), FBXL5 (F-box and leucine rich repeat protein 5; minus strand). Cytogenetic location: 4p15.32.
Variant type: single nucleotide variant.
Coding change: c.2209C>A on transcript NM_001378615.1 (MANE Select); coding-DNA position 2209, C replaced by A.
Protein change: p.Pro737Thr; replaces proline 737 with threonine.
Molecular consequence: missense variant.
Genome position (GRCh38, 1-based): chr4:15,550,851, C>A. VCF-style: chr4-15550851-C-A. GRCh37 (hg19) VCF-style: chr4-15552474-C-A.
Other names: c.2209C>A, p.Pro737Thr (NM_001080522.2); c.2062C>A, p.Pro688Thr (NM_001378617.1); short protein forms P737T, P688T.
Identifiers: ClinVar variation 598415 (VCV000598415.10), dbSNP rs1560177991, ClinGen allele CA356417024.
Genomic context (GRCh38, chr4:15,550,851, plus strand): 5'-TTTTATTGGCTATTTCTCTTCTCTGGTTTTCAGGTCTATGAAACTGTCGGACACAGTAGT[C>A]CCACCTTGCTAGCAGAAGTGTTTCTGCCTATTCCTGAGACTACTGTTGTCACTGGAAGGG-3'
Protein context (NP_001365544.1, residues 727-747): QVYETVGHSS[Pro737Thr]TLLAEVFLPI